The following is an entry in ClinVar:

ClinVar aggregate classification (germline): Uncertain significance (1 of 4 stars; one submission).

gnomAD v4.1: 3 of 1,613,900 alleles (0.00019%); highest among the groups gnomAD compares: Non-Finnish European, 0.00025%; no homozygotes.

Submission:

Labcorp Genetics (formerly Invitae), Labcorp
Classification: Uncertain significance. Last evaluated: 2021-09-01. Review status: criteria provided, single submitter. Criteria: Invitae Variant Classification Sherloc (09022015). Collection method: clinical testing. Allele origin: germline.
Comment: This sequence change replaces valine with phenylalanine at codon 411 of the HNF1A protein (p.Val411Phe). The valine residue is highly conserved and there is a small physicochemical difference between valine and phenylalanine. This variant is not present in population databases (ExAC no frequency). This variant has not been reported in the literature in individuals affected with HNF1A-related conditions. Advanced modeling of protein sequence and biophysical properties (such as structural, functional, and spatial information, amino acid conservation, physicochemical variation, residue mobility, and thermodynamic stability) performed at Invitae indicates that this missense variant is expected to disrupt HNF1A protein function. In summary, the available evidence is currently insufficient to determine the role of this variant in disease. Therefore, it has been classified as a Variant of Uncertain Significance.

NM_000545.8(HNF1A):c.1231G>T (p.Val411Phe)

Gene: HNF1A (HNF1 homeobox A; plus strand). Cytogenetic location: 12q24.31.
Variant type: single nucleotide variant.
Coding change: c.1231G>T on transcript NM_000545.8 (MANE Select); coding-DNA position 1231, G replaced by T.
Protein change: p.Val411Phe; replaces valine 411 with phenylalanine.
Molecular consequence: missense variant.
Genome position (GRCh38, 1-based): chr12:120,996,664, G>T. VCF-style: chr12-120996664-G-T. GRCh37 (hg19) VCF-style: chr12-121434467-G-T.
Other names: c.1231G>T, p.Val411Phe (NM_001306179.2); short protein forms V411F.
Identifiers: ClinVar variation 1417414 (VCV001417414.6), dbSNP rs767284188, ClinGen allele CA386969477.